The following is an entry in ClinVar:

NM_145059.3(FCSK):c.2314A>G (p.Thr772Ala)

Gene: FCSK (fucose kinase; plus strand). Cytogenetic location: 16q22.1.
Variant type: single nucleotide variant.
Coding change: c.2314A>G on transcript NM_145059.3 (MANE Select); coding-DNA position 2314, A replaced by G.
Protein change: p.Thr772Ala; replaces threonine 772 with alanine.
Molecular consequence: missense variant.
Genome position (GRCh38, 1-based): chr16:70,474,948, A>G. VCF-style: chr16-70474948-A-G. GRCh37 (hg19) VCF-style: chr16-70508851-A-G.
Other names: short protein forms T772A.
Identifiers: ClinVar variation 787723 (VCV000787723.34), dbSNP rs149607813, ClinGen allele CA8143555.
Genomic context (GRCh38, chr16:70,474,948, plus strand): 5'-GCACGCCGCATCCCGGAGCCTGAGCTGTGGCTGGCGGTGGGGCCTCGGCAGGATGAGATG[A>G]CTGTGAAGATAGTGTGCCGGTGCCTGGCTGACCTGCGGGACTACTGCCAGCCTCATGCCC-3'
Protein context (NP_659496.2, residues 762-782): LAVGPRQDEM[Thr772Ala]VKIVCRCLAD

ClinVar aggregate classification (germline): Likely benign. Review status: criteria provided, multiple submitters, no conflicts (2 of 4 stars). 4 submissions from 4 submitters: Likely benign (3). 1 of the submissions does not count toward it. Last evaluated 2026-01-12.

Conditions:
FCSK-related disorder. Also called: FCSK-related condition.

Allele frequency attached by ClinVar (database versions not stated): 1000 Genomes Project 0.00140; 1000 Genomes Project 30x 0.00141; gnomAD exomes 0.00362 and 0.00581; gnomAD 0.00405 and 0.00441; ESP Exome Variant Server 0.00425; TOPMed 0.00433; ExAC 0.00438.
gnomAD v4.1: 9,076 of 1,611,660 alleles (0.56%); highest among the groups gnomAD compares: Non-Finnish European, 0.69%; 48 homozygotes.

Submissions (4):

Labcorp Genetics (formerly Invitae), Labcorp
Classification: Likely benign. Last evaluated: 2026-01-12. Review status: criteria provided, single submitter. Criteria: Invitae Variant Classification Sherloc (09022015). Collection method: clinical testing. Allele origin: germline.

CeGaT Center for Human Genetics Tuebingen
Classification: Likely benign. Last evaluated: 2025-03-01. Review status: criteria provided, single submitter. Criteria: CeGaT Center For Human Genetics Tuebingen Variant Classification Criteria Version 2. Collection method: clinical testing. Allele origin: germline. Affected: yes. Observed: 5 variant alleles.
Comment: FCSK: BP4, BS2

Breakthrough Genomics
Classification: Likely benign. Review status: criteria provided, single submitter. Criteria: ACMG Guidelines, 2015. Collection method: not provided. Allele origin: germline. Inheritance: Autosomal recessive inheritance. Affected: yes.

PreventionGenetics, part of Exact Sciences
Classification: Likely benign for FCSK-related condition. Last evaluated: 2019-09-26. Review status: no assertion criteria provided. Collection method: clinical testing. Allele origin: germline. Not counted in ClinVar's aggregate classification.
Comment: This variant is classified as likely benign based on ACMG/AMP sequence variant interpretation guidelines (Richards et al. 2015 PMID: 25741868, with internal and published modifications).